The following is an entry in ClinVar:

ClinVar aggregate classification (germline): Uncertain significance. Review status: criteria provided, multiple submitters, no conflicts (2 of 4 stars). 3 submissions from 3 submitters: Uncertain significance (3). Last evaluated 2025-03-27.

Conditions:
Pheochromocytoma. Also called: MAX-Related Hereditary Paraganglioma-Pheochromocytoma Syndrome. Identifiers: Orphanet 29072, MedGen C0031511, MONDO:0008233, OMIM 171300, HP:0002666.
Charcot-Marie-Tooth disease type 2. Also called: Charcot-Marie-Tooth type 2. Identifiers: Orphanet 64746, MedGen C0270914, MONDO:0018993.

Allele frequency attached by ClinVar (database versions not stated): gnomAD exomes 0.00001 and below 0.00001; gnomAD 0.00001 and 0.00002; TOPMed 0.00002.
gnomAD v4.1: 20 of 1,614,022 alleles (0.0012%); highest among the groups gnomAD compares: Non-Finnish European, 0.0015%; no homozygotes.

Submissions (3):

Ambry Genetics
Classification: Uncertain significance. Last evaluated: 2025-03-27. Review status: criteria provided, single submitter. Criteria: Ambry Variant Classification Scheme 2023. Collection method: clinical testing. Allele origin: germline.

Labcorp Genetics (formerly Invitae), Labcorp
Classification: Uncertain significance for Charcot-Marie-Tooth disease type 2. Last evaluated: 2023-08-28. Review status: criteria provided, single submitter. Criteria: Invitae Variant Classification Sherloc (09022015). Collection method: clinical testing. Allele origin: germline.
Comment: In summary, the available evidence is currently insufficient to determine the role of this variant in disease. Therefore, it has been classified as a Variant of Uncertain Significance. An algorithm developed to predict the effect of missense changes on protein structure and function (PolyPhen-2) suggests that this variant is likely to be disruptive. ClinVar contains an entry for this variant (Variation ID: 1423585). This variant has not been reported in the literature in individuals affected with KIF1B-related conditions. This variant is present in population databases (no rsID available, gnomAD 0.0009%). This sequence change replaces leucine, which is neutral and non-polar, with arginine, which is basic and polar, at codon 1488 of the KIF1B protein (p.Leu1488Arg).

St. Jude Molecular Pathology, St. Jude Children's Research Hospital
Classification: Uncertain significance for Pheochromocytoma. Last evaluated: 2023-02-21. Review status: criteria provided, single submitter. Criteria: St. Jude Assertion Criteria 2020. Collection method: clinical testing. Allele origin: germline.
Comment: The KIF1B c.4463T>G (p.Leu1488Arg) missense change has a maximum subpopulation frequency of 0.00088% in gnomAD v2.1.1. The in silico tool REVEL predicts a benign effect on protein function, but to our knowledge this prediction has not been confirmed by functional studies. To our knowledge, this variant has not been reported in individuals with pheochromocytoma or neuroblastoma. In summary, the evidence currently available is insufficient to determine the clinical significance of this variant. It has therefore been classified as of uncertain significance.

NM_001365951.3(KIF1B):c.4601T>G (p.Leu1534Arg)

Gene: KIF1B (kinesin family member 1B; plus strand). Cytogenetic location: 1p36.22.
Variant type: single nucleotide variant.
Coding change: c.4601T>G on transcript NM_001365951.3 (MANE Select); coding-DNA position 4601, T replaced by G.
Protein change: p.Leu1534Arg; replaces leucine 1534 with arginine.
Molecular consequence: missense variant.
Genome position (GRCh38, 1-based): chr1:10,365,497, T>G. VCF-style: chr1-10365497-T-G. GRCh37 (hg19) VCF-style: chr1-10425555-T-G.
Other names: c.4601T>G, p.Leu1534Arg (NM_001365952.1); c.4463T>G, p.Leu1488Arg (NM_015074.3); short protein forms L1488R, L1534R.
Identifiers: ClinVar variation 1423585 (VCV001423585.10), dbSNP rs1011009249, ClinGen allele CA17850438.